The following is an entry in ClinVar:

ClinVar aggregate classification (germline): Benign/Likely benign. Review status: criteria provided, multiple submitters, no conflicts (2 of 4 stars). 6 submissions from 5 submitters: Benign (4); Likely benign (2). Last evaluated 2026-06-04.

Conditions:
RASopathy. Also called: rasopathies; Noonan spectrum disorder. Identifiers: Orphanet 536391, MedGen C5555857, MONDO:0021060.
Fibromatosis, gingival, 1 (GINGF1). Identifiers: Orphanet 2024, MedGen C4551558, MONDO:0007609, OMIM 135300.
Noonan syndrome 4 (NS4). Also called: SOS1-Related Noonan Syndrome; NOONAN SYNDROME WITH PIGMENTED VILLONODULAR SYNOVITIS. Identifiers: Orphanet 648, MedGen C1853120, MONDO:0012547, OMIM 610733.

Allele frequency attached by ClinVar (database versions not stated): gnomAD exomes 0.00002 and 0.00003; ExAC 0.00007; gnomAD 0.00014 and 0.00018; TOPMed 0.00021; ESP Exome Variant Server 0.00031.
gnomAD v4.1: 47 of 1,564,860 alleles (0.003%); highest among the groups gnomAD compares: African/African-American, 0.057%; no homozygotes.

Submissions (6):

Women's Health and Genetics/Laboratory Corporation of America, LabCorp
Classification: Benign. Last evaluated: 2026-06-04. Review status: criteria provided, single submitter. Criteria: LabCorp Variant Classification Summary - May 2015. Collection method: clinical testing. Allele origin: germline.
Comment: Variant summary: SOS1 c.87+15G>C alters a nucleotide located at a position not widely known to affect splicing. Consensus agreement among computation tools predict no significant impact on normal splicing. However, these predictions have yet to be confirmed by functional studies. The variant allele was found at a frequency of 3e-05 in 1564860 control chromosomes, predominantly at a frequency of 0.00057 within the African or African-American subpopulation in the gnomAD database. The observed variant frequency within African or African-American control individuals in the gnomAD database exceeds the estimated maximal expected allele frequency for disease-causing variants in SOS1. To our knowledge, no occurrence of c.87+15G>C in individuals affected with SOS1-related conditions and no experimental evidence demonstrating its impact on protein function have been reported. ClinVar contains an entry for this variant (Variation ID: 1290042). Based on the evidence outlined above, the variant was classified as benign.

Labcorp Genetics (formerly Invitae), Labcorp
Classification: Likely benign for RASopathy. Last evaluated: 2026-01-27. Review status: criteria provided, single submitter. Criteria: Invitae Variant Classification Sherloc (09022015). Collection method: clinical testing. Allele origin: germline.

Blueprint Genetics
Classification: Likely benign. Last evaluated: 2021-04-15. Review status: criteria provided, single submitter. Criteria: ACMG Guidelines, 2015. Collection method: clinical testing. Allele origin: germline.

GeneDx
Classification: Benign. Last evaluated: 2015-03-03. Review status: criteria provided, single submitter. Criteria: GeneDx Variant Classification Process June 2021. Collection method: clinical testing. Allele origin: germline. Affected: yes.

Genome-Nilou Lab
Classification: Benign for Noonan syndrome 4. Review status: criteria provided, single submitter. Criteria: ACMG Guidelines, 2015. Collection method: clinical testing. Allele origin: germline.

Genome-Nilou Lab
Classification: Benign for Fibromatosis, gingival, 1. Review status: criteria provided, single submitter. Criteria: ACMG Guidelines, 2015. Collection method: clinical testing. Allele origin: germline.

NM_005633.4(SOS1):c.87+15G>C

Genes: SOS1 (SOS Ras/Rac guanine nucleotide exchange factor 1; minus strand), LOC129933535 (ATAC-STARR-seq lymphoblastoid silent region 11384; plus strand). Cytogenetic location: 2p22.1.
Variant type: single nucleotide variant.
Coding change: c.87+15G>C on transcript NM_005633.4 (MANE Select); 15 bases into the intron after coding-DNA position 87, G replaced by C.
Molecular consequence: intron variant.
Genome position (GRCh38, 1-based): chr2:39,120,321, C>G on the plus strand (G>C on the coding strand, the complement: SOS1 is on the minus strand). VCF-style: chr2-39120321-C-G. GRCh37 (hg19) VCF-style: chr2-39347462-C-G.
Other names: c.66+4343G>C (NM_001382394.1); c.87+15G>C (NM_001382395.1).
Identifiers: ClinVar variation 1290042 (VCV001290042.12), dbSNP rs375493196, ClinGen allele CA1624884.